The following is an entry in ClinVar:

ClinVar aggregate classification (germline): Uncertain significance (1 of 4 stars; one submission).

Conditions:
Dyskeratosis congenita, autosomal recessive 1. Identifiers: Orphanet 1775, MedGen C1857144, MONDO:0009136, OMIM 224230.

Submission:

Labcorp Genetics (formerly Invitae), Labcorp
Classification: Uncertain significance for Dyskeratosis congenita, autosomal recessive 1. Last evaluated: 2024-02-24. Review status: criteria provided, single submitter. Criteria: Invitae Variant Classification Sherloc (09022015). Collection method: clinical testing. Allele origin: germline.
Comment: This sequence change replaces proline, which is neutral and non-polar, with arginine, which is basic and polar, at codon 32 of the NOP10 protein (p.Pro32Arg). This variant is not present in population databases (gnomAD no frequency). This variant has not been reported in the literature in individuals affected with NOP10-related conditions. ClinVar contains an entry for this variant (Variation ID: 1967479). An algorithm developed to predict the effect of missense changes on protein structure and function (PolyPhen-2) suggests that this variant is likely to be disruptive. In summary, the available evidence is currently insufficient to determine the role of this variant in disease. Therefore, it has been classified as a Variant of Uncertain Significance.

NM_018648.4(NOP10):c.95C>G (p.Pro32Arg)

Gene: NOP10 (NOP10 ribonucleoprotein; minus strand). Cytogenetic location: 15q14.
Variant type: single nucleotide variant.
Coding change: c.95C>G on transcript NM_018648.4 (MANE Select); coding-DNA position 95, C replaced by G.
Protein change: p.Pro32Arg; replaces proline 32 with arginine.
Molecular consequence: missense variant.
Genome position (GRCh38, 1-based): chr15:34,342,068, G>C on the plus strand (C>G on the coding strand, the complement: NOP10 is on the minus strand). VCF-style: chr15-34342068-G-C. GRCh37 (hg19) VCF-style: chr15-34634269-G-C.
Other names: short protein forms P32R.
Identifiers: ClinVar variation 1967479 (VCV001967479.5), dbSNP rs1890486441, ClinGen allele CA391622157.